The following is an entry in ClinVar:

NM_001040142.2(SCN2A):c.2591G>A (p.Trp864Ter)

Gene: SCN2A (sodium voltage-gated channel alpha subunit 2; plus strand). Cytogenetic location: 2q24.3.
Variant type: single nucleotide variant.
Coding change: c.2591G>A on transcript NM_001040142.2 (MANE Select); coding-DNA position 2591, G replaced by A.
Protein change: p.Trp864Ter; replaces tryptophan 864 with a stop codon.
Molecular consequence: nonsense.
Genome position (GRCh38, 1-based): chr2:165,344,583, G>A. VCF-style: chr2-165344583-G-A. GRCh37 (hg19) VCF-style: chr2-166201093-G-A.
Other names: c.2591G>A, p.Trp864Ter (NM_001040143.2, NM_001371246.1, NM_001371247.1 and 1 more transcripts); short protein forms W864*.
Identifiers: ClinVar variation 3759180 (VCV003759180.2).

ClinVar aggregate classification (germline): Pathogenic (1 of 4 stars; one submission).

Conditions:
Developmental and epileptic encephalopathy, 11 (DEE11). Also called: Early infantile epileptic encephalopathy 11. Identifiers: Orphanet 1934, MedGen C3150987, MONDO:0013388, OMIM 613721.
Seizures, benign familial infantile, 3 (BFIS3). Also called: CONVULSIONS, BENIGN FAMILIAL INFANTILE, 3; Familial neonatal seizures. Identifiers: Orphanet 140927, Orphanet 306, MedGen C1843140, MONDO:0011904, OMIM 607745.

Submission:

Labcorp Genetics (formerly Invitae), Labcorp
Classification: Pathogenic for Seizures, benign familial infantile, 3; Developmental and epileptic encephalopathy, 11. Last evaluated: 2024-09-21. Review status: criteria provided, single submitter. Criteria: Invitae Variant Classification Sherloc (09022015). Collection method: clinical testing. Allele origin: germline.
Comment: This sequence change creates a premature translational stop signal (p.Trp864*) in the SCN2A gene. It is expected to result in an absent or disrupted protein product. Loss-of-function variants in SCN2A are known to be pathogenic (PMID: 28379373). This variant is not present in population databases (gnomAD no frequency). This variant has not been reported in the literature in individuals affected with SCN2A-related conditions. For these reasons, this variant has been classified as Pathogenic.

Literature cited by the submitters: PubMed 28379373.